The following is an entry in ClinVar:

ClinVar aggregate classification (germline): Uncertain significance. Review status: criteria provided, multiple submitters, no conflicts (2 of 4 stars). 2 submissions from 2 submitters: Uncertain significance (2). Last evaluated 2025-09-09.

Conditions:
Inborn genetic diseases. Identifiers: MedGen C0950123, MeSH D030342.
Jeune thoracic dystrophy. Also called: Infantile thoracic dystrophy; Thoracic pelvic phalangeal dystrophy; Jeune's syndrome; Chondroectodermal dysplasia-like syndrome; Short-rib thoracic dysplasia; Jeune syndrome. Identifiers: Orphanet 474, MedGen C0265275, MONDO:0018770.
Nephronophthisis. Also called: Juvenile Nephronophthisis. Identifiers: Orphanet 655, MedGen C0687120, MONDO:0019005, HP:0000090.

Allele frequency attached by ClinVar (database versions not stated): gnomAD 0.00001; TOPMed 0.00001.

Submissions (2):

Ambry Genetics
Classification: Uncertain significance for Inborn genetic diseases. Last evaluated: 2025-09-09. Review status: criteria provided, single submitter. Criteria: Ambry Variant Classification Scheme 2023. Collection method: clinical testing. Allele origin: germline.

Labcorp Genetics (formerly Invitae), Labcorp
Classification: Uncertain significance for Jeune thoracic dystrophy; Nephronophthisis. Last evaluated: 2021-12-13. Review status: criteria provided, single submitter. Criteria: Invitae Variant Classification Sherloc (09022015). Collection method: clinical testing. Allele origin: germline.
Comment: In summary, the available evidence is currently insufficient to determine the role of this variant in disease. Therefore, it has been classified as a Variant of Uncertain Significance. Algorithms developed to predict the effect of missense changes on protein structure and function (SIFT, PolyPhen-2, Align-GVGD) all suggest that this variant is likely to be tolerated. This variant has not been reported in the literature in individuals affected with TTC21B-related conditions. This variant is present in population databases (no rsID available, gnomAD 0.009%). This sequence change replaces glutamic acid, which is acidic and polar, with lysine, which is basic and polar, at codon 683 of the TTC21B protein (p.Glu683Lys).

NM_024753.5(TTC21B):c.2047G>A (p.Glu683Lys)

Gene: TTC21B (tetratricopeptide repeat domain 21B; minus strand). Cytogenetic location: 2q24.3.
Variant type: single nucleotide variant.
Coding change: c.2047G>A on transcript NM_024753.5 (MANE Select); coding-DNA position 2047, G replaced by A.
Protein change: p.Glu683Lys; replaces glutamic acid 683 with lysine.
Molecular consequence: missense variant.
Genome position (GRCh38, 1-based): chr2:165,915,292, C>T on the plus strand (G>A on the coding strand, the complement: TTC21B is on the minus strand). VCF-style: chr2-165915292-C-T. GRCh37 (hg19) VCF-style: chr2-166771802-C-T.
Other names: c.2047G>A (NM_024753.3); short protein forms E683K.
Identifiers: ClinVar variation 2065530 (VCV002065530.4), dbSNP rs1024126846, ClinGen allele CA59799074.